The following is an entry in ClinVar:

ClinVar aggregate classification (germline): Benign. Review status: criteria provided, multiple submitters, no conflicts (2 of 4 stars). 2 submissions from 2 submitters: Benign (2). Last evaluated 2018-01-12.

Conditions:
Isolated focal non-epidermolytic palmoplantar keratoderma. Also called: Palmoplantar keratoderma, nonepidermolytic, focal 2. Identifiers: Orphanet 448264, MedGen C4225339, MONDO:0014622, OMIM 616400.

Allele frequency attached by ClinVar (database versions not stated): 1000 Genomes Project 0.13978; 1000 Genomes Project 30x 0.14163; gnomAD 0.21671 and 0.22439; TOPMed 0.21552.

Submissions (2):

Illumina Laboratory Services, Illumina
Classification: Benign for Isolated focal non-epidermolytic palmoplantar keratoderma. Last evaluated: 2018-01-12. Review status: criteria provided, single submitter. Criteria: ICSL Variant Classification Criteria 13 December 2019. Collection method: clinical testing. Allele origin: germline.
Comment: This variant was observed in the ICSL laboratory as part of a predisposition screen in an ostensibly healthy population. It had not been previously curated by ICSL or reported in the Human Gene Mutation Database (HGMD: prior to June 1st, 2018), and was therefore a candidate for classification through an automated scoring system. Utilizing variant allele frequency, disease prevalence and penetrance estimates, and inheritance mode, an automated score was calculated to assess if this variant is too frequent to cause the disease. Based on the score and internal cut-off values, a variant classified as benign is not then subjected to further curation. The score for this variant resulted in a classification of benign for this disease.

Breakthrough Genomics
Classification: Benign. Review status: criteria provided, single submitter. Criteria: ACMG Guidelines, 2015. Collection method: not provided. Allele origin: germline. Inheritance: Autosomal dominant inheritance. Affected: yes.

NM_145068.4(TRPV3):c.*2093C>T

Genes: SPATA22 (spermatogenesis associated 22; minus strand), TRPV3 (transient receptor potential cation channel subfamily V member 3; minus strand). Cytogenetic location: 17p13.2.
Variant type: single nucleotide variant.
Coding change: c.*2093C>T on transcript NM_145068.4 (MANE Select); 2093 bases downstream of the stop codon, C replaced by T.
Molecular consequence: 3 prime UTR variant. On other transcripts: intron variant (2).
Genome position (GRCh38, 1-based): chr17:3,511,824, G>A on the plus strand (C>T on the coding strand, the complement: TRPV3 is on the minus strand). VCF-style: chr17-3511824-G-A. GRCh37 (hg19) VCF-style: chr17-3415118-G-A.
Other names: c.*2093C>T (NM_001258205.2); c.-74+1588C>T (NM_001321336.2, NM_001321337.2).
Identifiers: ClinVar variation 322701 (VCV000322701.8), dbSNP rs9912448, ClinGen allele CA10645346.